The following is an entry in ClinVar:

NM_005502.4(ABCA1):c.6402-1G>T

Genes: ABCA1 (ATP binding cassette subfamily A member 1; minus strand), NIPSNAP3B (nipsnap homolog 3B; plus strand). Cytogenetic location: 9q31.1.
Variant type: single nucleotide variant.
Coding change: c.6402-1G>T on transcript NM_005502.4 (MANE Select); the canonical splice acceptor site of the intron before coding-DNA position 6402, G replaced by T.
Molecular consequence: splice acceptor variant.
Genome position (GRCh38, 1-based): chr9:104,785,640, C>A on the plus strand (G>T on the coding strand, the complement: ABCA1 is on the minus strand). VCF-style: chr9-104785640-C-A. GRCh37 (hg19) VCF-style: chr9-107547921-C-A.
Identifiers: ClinVar variation 504124 (VCV000504124.2), dbSNP rs1554696687, ClinGen allele CA374311797.

ClinVar aggregate classification (germline): Pathogenic (1 of 4 stars; one submission).

Allele frequency attached by ClinVar (database versions not stated): gnomAD exomes below 0.00001.
gnomAD v4.1: 3 of 1,613,892 alleles (0.00019%); highest among the groups gnomAD compares: Non-Finnish European, 0.00025%; no homozygotes.

Submission:

GeneDx
Classification: Pathogenic. Last evaluated: 2018-01-25. Review status: criteria provided, single submitter. Criteria: GeneDx Variant Classification (06012015). Collection method: clinical testing. Allele origin: germline. Affected: yes.
Comment: The c.6402-1G>T variant in the ABCA1 gene has not been reported previously as a pathogenic variant nor as a benign variant, to our knowledge. This splice site variant destroys the canonical splice acceptor site in intron 48. It is predicted to cause abnormal gene splicing, either leading to an abnormal message that is subject to nonsense-mediated mRNA decay, or to an abnormal protein product if the message is used for protein translation. The c.6402-1G>T variant is not observed in large population cohorts (Lek et al., 2016). We interpret c.6402-1G>T as a pathogenic variant.